The following is an entry in ClinVar:

ClinVar aggregate classification (germline): Likely benign. Review status: criteria provided, single submitter (1 of 4 stars). 3 submissions from 1 submitter: Likely benign (3). Last evaluated 2018-01-13.

Conditions:
Leprechaunism syndrome. Also called: Donohue syndrome; LEPRECHAUNISM. Identifiers: Orphanet 508, MedGen C0265344, MONDO:0009517, OMIM 246200.
Rabson-Mendenhall syndrome. Also called: MENDENHALL SYNDROME; Pineal Hyperplasia, Insulin-Resistant Diabetes Mellitus, and Somatic Abnormalities; Pineal hyperplasia AND diabetes mellitus syndrome. Identifiers: Orphanet 769, MedGen C0271695, MONDO:0009874, OMIM 262190.
Insulin-resistant diabetes mellitus AND acanthosis nigricans. Also called: Insulin-resistance syndrome type A; INSULIN RECEPTOR, DEFECT IN, WITH INSULIN-RESISTANT DIABETES MELLITUS AND ACANTHOSIS NIGRICANS; IRAN, TYPE A; type A insulin resistance; DIABETES MELLITUS, INSULIN-RESISTANT, WITH ACANTHOSIS NIGRICANS, TYPE A. Identifiers: Orphanet 2297, MedGen C0342278, MONDO:0012520, OMIM 610549.

Allele frequency attached by ClinVar (database versions not stated): gnomAD 0.00025 and 0.00050; TOPMed 0.00046; 1000 Genomes Project 30x 0.00265; 1000 Genomes Project 0.00280.

Submissions (3):

Illumina Laboratory Services, Illumina
Classification: Likely benign for Leprechaunism syndrome. Last evaluated: 2018-01-13. Review status: criteria provided, single submitter. Criteria: ICSL Variant Classification Criteria 13 December 2019. Collection method: clinical testing. Allele origin: germline.
Comment: This variant was observed in the ICSL laboratory as part of a predisposition screen in an ostensibly healthy population. It had not been previously curated by ICSL or reported in the Human Gene Mutation Database (HGMD: prior to June 1st, 2018), and was therefore a candidate for classification through an automated scoring system. Utilizing variant allele frequency, disease prevalence and penetrance estimates, and inheritance mode, an automated score was calculated to assess if this variant is too frequent to cause the disease. Based on the score and internal cut-off values, a variant classified as likely benign is not then subjected to further curation. The score for this variant resulted in a classification of likely benign for this disease.

Illumina Laboratory Services, Illumina
Classification: Likely benign for Insulin-resistant diabetes mellitus AND acanthosis nigricans. Last evaluated: 2018-01-13. Review status: criteria provided, single submitter. Criteria: ICSL Variant Classification Criteria 13 December 2019. Collection method: clinical testing. Allele origin: germline.
Comment: the same text as in the submission from Illumina Laboratory Services, Illumina above.

Illumina Laboratory Services, Illumina
Classification: Likely benign for Rabson-Mendenhall syndrome. Last evaluated: 2018-01-13. Review status: criteria provided, single submitter. Criteria: ICSL Variant Classification Criteria 13 December 2019. Collection method: clinical testing. Allele origin: germline.
Comment: the same text as in the submission from Illumina Laboratory Services, Illumina above.

NM_000208.4(INSR):c.*2456C>T

Gene: INSR (insulin receptor; minus strand). Cytogenetic location: 19p13.2.
Variant type: single nucleotide variant.
Coding change: c.*2456C>T on transcript NM_000208.4 (MANE Select); 2456 bases downstream of the stop codon, C replaced by T.
Molecular consequence: 3 prime UTR variant.
Genome position (GRCh38, 1-based): chr19:7,114,600, G>A on the plus strand (C>T on the coding strand, the complement: INSR is on the minus strand). VCF-style: chr19-7114600-G-A. GRCh37 (hg19) VCF-style: chr19-7114611-G-A.
Other names: c.*2456C>T (NM_001079817.3).
Identifiers: ClinVar variation 330387 (VCV000330387.5), dbSNP rs145777450, ClinGen allele CA10649209.